The following is an entry in ClinVar:

ClinVar aggregate classification (germline): Uncertain significance (1 of 4 stars; one submission).

Allele frequency attached by ClinVar (database versions not stated): TOPMed below 0.00001; gnomAD 0.00001.
gnomAD v4.1: 1 of 1,614,022 alleles (0.000062%); highest among the groups gnomAD compares: Non-Finnish European, 0.000085%; no homozygotes.

Submission:

Labcorp Genetics (formerly Invitae), Labcorp
Classification: Uncertain significance. Last evaluated: 2020-12-29. Review status: criteria provided, single submitter. Criteria: Invitae Variant Classification Sherloc (09022015). Collection method: clinical testing. Allele origin: germline.
Comment: In summary, the available evidence is currently insufficient to determine the role of this variant in disease. Therefore, it has been classified as a Variant of Uncertain Significance. Algorithms developed to predict the effect of missense changes on protein structure and function are either unavailable or do not agree on the potential impact of this missense change (SIFT: "Deleterious"; PolyPhen-2: "Probably Damaging"; Align-GVGD: "Class C0"). This variant has not been reported in the literature in individuals with ADCY10-related conditions. This variant is not present in population databases (ExAC no frequency). This sequence change replaces glycine with arginine at codon 1525 of the ADCY10 protein (p.Gly1525Arg). The glycine residue is highly conserved and there is a moderate physicochemical difference between glycine and arginine.

NM_018417.6(ADCY10):c.4573G>A (p.Gly1525Arg)

Gene: ADCY10 (adenylate cyclase 10; minus strand). Cytogenetic location: 1q24.2.
Variant type: single nucleotide variant.
Coding change: c.4573G>A on transcript NM_018417.6 (MANE Select); coding-DNA position 4573, G replaced by A.
Protein change: p.Gly1525Arg; replaces glycine 1525 with arginine.
Molecular consequence: missense variant.
Genome position (GRCh38, 1-based): chr1:167,810,823, C>T on the plus strand (G>A on the coding strand, the complement: ADCY10 is on the minus strand). VCF-style: chr1-167810823-C-T. GRCh37 (hg19) VCF-style: chr1-167780060-C-T.
Other names: c.4114G>A, p.Gly1372Arg (NM_001167749.3); c.4297G>A, p.Gly1433Arg (NM_001297772.2); short protein forms G1372R, G1433R, G1525R.
Identifiers: ClinVar variation 1497719 (VCV001497719.8), dbSNP rs1662155517, ClinGen allele CA343093139.